The following is an entry in ClinVar:

ClinVar aggregate classification (germline): Uncertain significance (1 of 4 stars; one submission).

Conditions:
Hypertrophic cardiomyopathy 26. Also called: Cardiomyopathy, familial hypertrophic, 26. Identifiers: Orphanet 75249, MedGen C4310749, MONDO:0014883, OMIM 617047.
Myofibrillar myopathy 5. Also called: Filaminopathy (type); FILAMINOPATHY, AUTOSOMAL DOMINANT. Identifiers: Orphanet 171445, MedGen C1836050, MONDO:0012289, OMIM 609524.
Distal myopathy with posterior leg and anterior hand involvement. Also called: WILLIAMS DISTAL MYOPATHY. Identifiers: Orphanet 63273, MedGen C3279722, MONDO:0013550, OMIM 614065.

Submission:

Labcorp Genetics (formerly Invitae), Labcorp
Classification: Uncertain significance for Distal myopathy with posterior leg and anterior hand involvement; Myofibrillar myopathy 5; Hypertrophic cardiomyopathy 26. Last evaluated: 2025-09-20. Review status: criteria provided, single submitter. Criteria: Invitae Variant Classification Sherloc (09022015). Collection method: clinical testing. Allele origin: germline.
Comment: This variant, c.2323_2325del, results in the deletion of 1 amino acid(s) of the FLNC protein (p.Glu775del), but otherwise preserves the integrity of the reading frame. This variant is not present in population databases (gnomAD no frequency). This variant has not been reported in the literature in individuals affected with FLNC-related conditions. Experimental studies and prediction algorithms are not available or were not evaluated, and the functional significance of this variant is currently unknown. In summary, the available evidence is currently insufficient to determine the role of this variant in disease. Therefore, it has been classified as a Variant of Uncertain Significance.

NM_001458.5(FLNC):c.2323_2325del (p.Glu775del)

Gene: FLNC (filamin C; plus strand). Cytogenetic location: 7q32.1.
Variant type: Deletion.
Coding change: c.2323_2325del on transcript NM_001458.5 (MANE Select); coding-DNA positions 2323 to 2325, 3 bases deleted (GAG; older notation c.2323_2325delGAG).
Protein change: p.Glu775del; deletes glutamic acid 775.
Genome position (GRCh38, 1-based): chr7:128,842,632-128,842,634, GAG deleted; deleting any 3 consecutive bases within chr7:128,842,631-128,842,634 gives the same sequence; the c. name uses the placement nearest the transcript's 3' end. VCF-style (leftmost placement, unchanged base first): chr7-128842630-TGGA-T. GRCh37 (hg19) VCF-style: chr7-128482684-TGGA-T.
Other names: c.2323_2325del, p.Glu775del (NM_001127487.2); short protein forms E775del.
Identifiers: ClinVar variation 4812425 (VCV004812425.1).